The following is an entry in ClinVar:

NM_032608.7(MYO18B):c.4175A>G (p.Gln1392Arg)

Gene: MYO18B (myosin XVIIIB; plus strand). Cytogenetic location: 22q12.1.
Variant type: single nucleotide variant.
Coding change: c.4175A>G on transcript NM_032608.7 (MANE Select); coding-DNA position 4175, A replaced by G.
Protein change: p.Gln1392Arg; replaces glutamine 1392 with arginine.
Molecular consequence: missense variant.
Genome position (GRCh38, 1-based): chr22:25,876,283, A>G. VCF-style: chr22-25876283-A-G. GRCh37 (hg19) VCF-style: chr22-26272250-A-G.
Other names: c.4178A>G, p.Gln1393Arg (NM_001318245.2); short protein forms Q1392R, Q1393R.
Identifiers: ClinVar variation 1970023 (VCV001970023.4), dbSNP rs2517717139, ClinGen allele CA411007497.

ClinVar aggregate classification (germline): Uncertain significance (1 of 4 stars; one submission).

Submission:

Labcorp Genetics (formerly Invitae), Labcorp
Classification: Uncertain significance. Last evaluated: 2022-07-22. Review status: criteria provided, single submitter. Criteria: Invitae Variant Classification Sherloc (09022015). Collection method: clinical testing. Allele origin: germline.
Comment: This variant is not present in population databases (gnomAD no frequency). This sequence change replaces glutamine, which is neutral and polar, with arginine, which is basic and polar, at codon 1392 of the MYO18B protein (p.Gln1392Arg). This variant has not been reported in the literature in individuals affected with MYO18B-related conditions. In summary, the available evidence is currently insufficient to determine the role of this variant in disease. Therefore, it has been classified as a Variant of Uncertain Significance. Algorithms developed to predict the effect of missense changes on protein structure and function output the following: SIFT: "Not Available"; PolyPhen-2: "Benign"; Align-GVGD: "Not Available". The arginine amino acid residue is found in multiple mammalian species, which suggests that this missense change does not adversely affect protein function.